The following is an entry in ClinVar:

NM_002087.4(GRN):c.1112G>C (p.Ser371Thr)

Gene: GRN (granulin precursor; plus strand). Cytogenetic location: 17q21.31.
Variant type: single nucleotide variant.
Coding change: c.1112G>C on transcript NM_002087.4 (MANE Select); coding-DNA position 1112, G replaced by C.
Protein change: p.Ser371Thr; replaces serine 371 with threonine.
Molecular consequence: missense variant.
Genome position (GRCh38, 1-based): chr17:44,351,728, G>C. VCF-style: chr17-44351728-G-C. GRCh37 (hg19) VCF-style: chr17-42429096-G-C.
Other names: c.1112G>C (NM_002087.3); short protein forms S371T.
Identifiers: ClinVar variation 805121 (VCV000805121.9), dbSNP rs149023078, ClinGen allele CA8602101.

ClinVar aggregate classification (germline): Conflicting classifications of pathogenicity. Review status: criteria provided, conflicting classifications (1 of 4 stars). 4 submissions from 4 submitters: Uncertain significance (3); Likely benign (1). Last evaluated 2025-04-16.

Conditions:
Inborn genetic diseases. Identifiers: MedGen C0950123, MeSH D030342.
Neuronal ceroid lipofuscinosis 11. Also called: GRN-Related Neuronal Ceroid-Lipofuscinosis. Identifiers: Orphanet 314629, Orphanet 79262, MedGen C3539123, MONDO:0013866, OMIM 614706.
GRN-related frontotemporal lobar degeneration with Tdp43 inclusions (FTD2). Also called: FRONTOTEMPORAL DEMENTIA WITH TDP43 INCLUSIONS, GRN-RELATED; DEMENTIA, HEREDITARY DYSPHASIC DISINHIBITION; FRONTOTEMPORAL LOBAR DEGENERATION WITH UBIQUITIN-POSITIVE INCLUSIONS; FTLD-TDP, GRN-RELATED; GRN Frontotemporal Dementia. Identifiers: Orphanet 100070, Orphanet 282, MedGen C1843792, MONDO:0011842, OMIM 607485. Disease mechanism: loss of function.
GRN-related disorder. Also called: GRN-related condition; GRN-related disorders.

Allele frequency attached by ClinVar (database versions not stated): ExAC 0.00003; gnomAD 0.00003; TOPMed 0.00003; gnomAD exomes 0.00004; ESP Exome Variant Server 0.00008; 1000 Genomes Project 0.00020; 1000 Genomes Project 30x 0.00031.
gnomAD v4.1: 44 of 1,613,814 alleles (0.0027%); highest among the groups gnomAD compares: Admixed American, 0.0067%; no homozygotes.

Submissions (4):

Labcorp Genetics (formerly Invitae), Labcorp
Classification: Uncertain significance for Neuronal ceroid lipofuscinosis 11; GRN-related frontotemporal lobar degeneration with Tdp43 inclusions. Last evaluated: 2025-04-16. Review status: criteria provided, single submitter. Criteria: Invitae Variant Classification Sherloc (09022015). Collection method: clinical testing. Allele origin: germline.
Comment: This sequence change replaces serine, which is neutral and polar, with threonine, which is neutral and polar, at codon 371 of the GRN protein (p.Ser371Thr). This variant is present in population databases (rs149023078, gnomAD 0.008%). This variant has not been reported in the literature in individuals affected with GRN-related conditions. ClinVar contains an entry for this variant (Variation ID: 805121). Invitae Evidence Modeling of protein sequence and biophysical properties (such as structural, functional, and spatial information, amino acid conservation, physicochemical variation, residue mobility, and thermodynamic stability) indicates that this missense variant is not expected to disrupt GRN protein function with a negative predictive value of 80%. In summary, the available evidence is currently insufficient to determine the role of this variant in disease. Therefore, it has been classified as a Variant of Uncertain Significance.

PreventionGenetics, part of Exact Sciences
Classification: Uncertain significance for GRN-related condition. Last evaluated: 2025-02-23. Review status: criteria provided, single submitter. Criteria: ACMG Guidelines, 2015. Collection method: clinical testing. Allele origin: germline.
Comment: The GRN c.1112G>C variant is predicted to result in the amino acid substitution p.Ser371Thr. To our knowledge, this variant has not been reported in the literature. This variant is reported in 0.0078% of alleles in individuals of European (Non-Finnish) descent in gnomAD. At this time, the clinical significance of this variant is uncertain due to the absence of conclusive functional and genetic evidence.

Ambry Genetics
Classification: Likely benign for Inborn genetic diseases. Last evaluated: 2022-10-04. Review status: criteria provided, single submitter. Criteria: Ambry Variant Classification Scheme 2023. Collection method: clinical testing. Allele origin: germline.

Athena Diagnostics
Classification: Uncertain significance. Last evaluated: 2019-03-28. Review status: criteria provided, single submitter. Criteria: Athena Diagnostics Criteria. Collection method: clinical testing. Allele origin: germline.